The following is an entry in ClinVar:

NM_000379.4(XDH):c.2686C>T (p.Arg896Trp)

Gene: XDH (xanthine dehydrogenase; minus strand). Cytogenetic location: 2p23.1.
Variant type: single nucleotide variant.
Coding change: c.2686C>T on transcript NM_000379.4 (MANE Select); coding-DNA position 2686, C replaced by T.
Protein change: p.Arg896Trp; replaces arginine 896 with tryptophan.
Molecular consequence: missense variant.
Genome position (GRCh38, 1-based): chr2:31,350,169, G>A on the plus strand (C>T on the coding strand, the complement: XDH is on the minus strand). VCF-style: chr2-31350169-G-A. GRCh37 (hg19) VCF-style: chr2-31573035-G-A.
Other names: short protein forms R896W.
Identifiers: ClinVar variation 1505609 (VCV001505609.5), dbSNP rs765576781, ClinGen allele CA44723552.

ClinVar aggregate classification (germline): Uncertain significance (1 of 4 stars; one submission).

Conditions:
Xanthinuria type II. Also called: Xanthine dehydrogenase and aldehyde oxidase combined deficiency of; XDH and AOX dual deficiency. Identifiers: Orphanet 3467, Orphanet 93602, MedGen C1863688, MONDO:0011346, OMIM 603592.

Allele frequency attached by ClinVar (database versions not stated): TOPMed 0.00001; gnomAD 0.00002; gnomAD exomes 0.00002 and 0.00003.
gnomAD v4.1: 45 of 1,614,022 alleles (0.0028%); highest among the groups gnomAD compares: Admixed American, 0.0033%; no homozygotes.

Submission:

Labcorp Genetics (formerly Invitae), Labcorp
Classification: Uncertain significance for Xanthinuria type II. Last evaluated: 2021-09-02. Review status: criteria provided, single submitter. Criteria: Invitae Variant Classification Sherloc (09022015). Collection method: clinical testing. Allele origin: germline.
Comment: This sequence change replaces arginine with tryptophan at codon 896 of the XDH protein (p.Arg896Trp). The arginine residue is moderately conserved and there is a moderate physicochemical difference between arginine and tryptophan. This variant is not present in population databases (ExAC no frequency). This variant has not been reported in the literature in individuals affected with XDH-related conditions. Algorithms developed to predict the effect of missense changes on protein structure and function are either unavailable or do not agree on the potential impact of this missense change (SIFT: "Deleterious"; PolyPhen-2: "Probably Damaging"; Align-GVGD: "Class C0"). In summary, the available evidence is currently insufficient to determine the role of this variant in disease. Therefore, it has been classified as a Variant of Uncertain Significance.